The following is an entry in ClinVar:

NM_024078.3(NOC4L):c.1350C>G (p.Ser450=)

Gene: NOC4L (nucleolar complex associated 4 homolog; plus strand). Cytogenetic location: 12q24.33.
Variant type: single nucleotide variant.
Coding change: c.1350C>G on transcript NM_024078.3 (MANE Select); coding-DNA position 1350, C replaced by G.
Protein change: p.Ser450=; no amino-acid change (serine 450 retained).
Molecular consequence: synonymous variant. On other transcripts: non-coding transcript variant (3).
Genome position (GRCh38, 1-based): chr12:132,152,116, C>G. VCF-style: chr12-132152116-C-G. GRCh37 (hg19) VCF-style: chr12-132636661-C-G.
Other names: c.1332C>G, p.Ser444= (NM_001414688.1); c.1299C>G, p.Ser433= (NM_001414689.1); c.1293C>G, p.Ser431= (NM_001414690.1); c.1290C>G, p.Ser430= (NM_001414691.1); c.1077C>G, p.Ser359= (NM_001414692.1).
Identifiers: ClinVar variation 2643634 (VCV002643634.24), dbSNP rs1372520187, ClinGen allele CA482846391.

ClinVar aggregate classification (germline): Likely benign (1 of 4 stars; one submission).

Allele frequency attached by ClinVar (database versions not stated): gnomAD exomes below 0.00001.
gnomAD v4.1: 1 of 1,612,286 alleles (0.000062%); highest among the groups gnomAD compares: African/African-American, 0.0013%; no homozygotes.

Submission:

CeGaT Center for Human Genetics Tuebingen
Classification: Likely benign. Last evaluated: 2023-03-01. Review status: criteria provided, single submitter. Criteria: CeGaT Center For Human Genetics Tuebingen Variant Classification Criteria Version 2. Collection method: clinical testing. Allele origin: germline. Affected: yes. Observed: 1 variant allele.
Comment: NOC4L: PM2:Supporting, BP4, BP7